The following is an entry in ClinVar:

ClinVar aggregate classification (germline): Uncertain significance (1 of 4 stars; one submission).

Conditions:
Familial temporal lobe epilepsy 8. Identifiers: Orphanet 101046, MedGen C4225318, MONDO:0014650, OMIM 616461.

Submission:

Labcorp Genetics (formerly Invitae), Labcorp
Classification: Uncertain significance for Epilepsy, familial temporal lobe, 8. Last evaluated: 2019-02-25. Review status: criteria provided, single submitter. Criteria: Invitae Variant Classification Sherloc (09022015). Collection method: clinical testing. Allele origin: germline.
Comment: This variant results in a copy number gain of the genomic region encompassing the full coding sequence of the GAL gene. The boundaries of this event are unknown as they extend beyond the assayed region for this gene and therefore may encompass additional genes. As the precise location of this event is unknown, it may be in tandem or it may be located elsewhere in the genome. This variant has not been reported in the literature in individuals with GAL-related conditions. In summary, the available evidence is currently insufficient to determine the role of this variant in disease. Therefore, it has been classified as a Variant of Uncertain Significance.

NC_000011.10:g.(?_68684904)_(68691007_?)dup

Gene: GAL (galanin and GMAP prepropeptide; plus strand). Cytogenetic location: 11q13.3.
Variant type: Duplication.
Identifiers: ClinVar variation 831647 (VCV000831647.1).